The following is an entry in ClinVar:

ClinVar aggregate classification (germline): Pathogenic/Likely pathogenic. Review status: criteria provided, multiple submitters, no conflicts (2 of 4 stars). 3 submissions from 3 submitters: Pathogenic (1); Likely pathogenic (2). Last evaluated 2025-10-13.

Conditions:
Pontocerebellar hypoplasia type 6 (PCH6). Identifiers: Orphanet 166073, MedGen C1969084, MONDO:0012683, OMIM 611523.

gnomAD v4.1: 19 of 1,611,996 alleles (0.0012%); highest among the groups gnomAD compares: South Asian, 0.0033%; no homozygotes.

Submissions (3):

Natera, Inc.
Classification: Likely pathogenic for Pontocerebellar hypoplasia, type 6. Last evaluated: 2025-10-13. Review status: criteria provided, single submitter. Criteria: Natera Variant Classification Schema (03/2026). Collection method: clinical testing. Allele origin: germline.
Comment: The c.997C>T variant in RARS2 is a nonsense variant predicted to introduce a stop codon at amino acid 333. This variant is expected to result in nonsense mediated decay, truncation, or a dysfunctional protein product. This variant is rare in the general population with a frequency below the threshold expected for the associated phenotype(s). Given the available evidence, this variant is classified as Likely Pathogenic.

Labcorp Genetics (formerly Invitae), Labcorp
Classification: Pathogenic. Last evaluated: 2024-02-07. Review status: criteria provided, single submitter. Criteria: Invitae Variant Classification Sherloc (09022015). Collection method: clinical testing. Allele origin: germline.
Comment: This sequence change creates a premature translational stop signal (p.Arg333*) in the RARS2 gene. It is expected to result in an absent or disrupted protein product. Loss-of-function variants in RARS2 are known to be pathogenic (PMID: 17847012, 22569581, 26083569). This variant is present in population databases (no rsID available, gnomAD 0.002%). This variant has not been reported in the literature in individuals affected with RARS2-related conditions. ClinVar contains an entry for this variant (Variation ID: 1434193). Algorithms developed to predict the effect of sequence changes on RNA splicing suggest that this variant may disrupt the consensus splice site. For these reasons, this variant has been classified as Pathogenic.

Baylor Genetics
Classification: Likely pathogenic for Pontocerebellar hypoplasia type 6. Last evaluated: 2024-01-05. Review status: criteria provided, single submitter. Criteria: ACMG Guidelines, 2015. Collection method: clinical testing. Allele origin: unknown.

Literature cited by the submitters: PubMed 17847012 (cited by Labcorp Genetics (formerly Invitae), Labcorp); PubMed 22569581 (cited by Labcorp Genetics (formerly Invitae), Labcorp); PubMed 26083569 (cited by Labcorp Genetics (formerly Invitae), Labcorp).

NM_020320.5(RARS2):c.997C>T (p.Arg333Ter)

Gene: RARS2 (arginyl-tRNA synthetase 2, mitochondrial; minus strand). Cytogenetic location: 6q15.
Variant type: single nucleotide variant.
Coding change: c.997C>T on transcript NM_020320.5 (MANE Select); coding-DNA position 997, C replaced by T.
Protein change: p.Arg333Ter; replaces arginine 333 with a stop codon.
Molecular consequence: nonsense. On other transcripts: non-coding transcript variant (23).
Genome position (GRCh38, 1-based): chr6:87,521,502, G>A on the plus strand (C>T on the coding strand, the complement: RARS2 is on the minus strand). VCF-style: chr6-87521502-G-A. GRCh37 (hg19) VCF-style: chr6-88231220-G-A.
Other names: c.997C>T (NM_020320.4); c.472C>T, p.Arg158Ter (NM_001318785.2, NM_001350506.2, NM_001350507.2 and 4 more transcripts); c.997C>T, p.Arg333Ter (NM_001350505.2); short protein forms R158*, R333*.
Identifiers: ClinVar variation 1434193 (VCV001434193.9), dbSNP rs927427873, ClinGen allele CA364925695.
Genomic context (GRCh38, chr6:87,521,502, plus strand): 5'-ACTTTTTGTTCTGATTACTTACCACATATATCATTGTATCAAAATTATACTTGTCCATTC[G>A]ATCTATAGCAGCTGCAAGATCTCTGAAACAAAGTGGCCATAAACCAAGAGTTACTAAGCA-3'